The following is an entry in ClinVar:

ClinVar aggregate classification (germline): Uncertain significance (1 of 4 stars; one submission).

Submission:

GeneDx
Classification: Uncertain significance. Last evaluated: 2023-11-20. Review status: criteria provided, single submitter. Criteria: GeneDx Variant Classification Process June 2021. Collection method: clinical testing. Allele origin: germline. Affected: yes.
Comment: Not observed at significant frequency in large population cohorts (gnomAD); Nonsense variant predicted to result in protein truncation as the last 54 amino acids are lost, although loss-of-function variants have not been reported downstream of this position in the protein; Has not been previously published as pathogenic or benign to our knowledge

NM_001394998.1(TANC2):c.6061C>T (p.Arg2021Ter)

Gene: TANC2 (tetratricopeptide repeat, ankyrin repeat and coiled-coil containing 2; plus strand). Cytogenetic location: 17q23.3.
Variant type: single nucleotide variant.
Coding change: c.6061C>T on transcript NM_001394998.1 (MANE Select); coding-DNA position 6061, C replaced by T.
Protein change: p.Arg2021Ter; replaces arginine 2021 with a stop codon.
Molecular consequence: nonsense.
Genome position (GRCh38, 1-based): chr17:63,421,791, C>T. VCF-style: chr17-63421791-C-T. GRCh37 (hg19) VCF-style: chr17-61499152-C-T.
Other names: c.5839C>T, p.Arg1947Ter (NM_001411076.1); c.5809C>T, p.Arg1937Ter (NM_025185.4); short protein forms R1937*, R1947*, R2021*.
Identifiers: ClinVar variation 3364510 (VCV003364510.1).